The following is an entry in ClinVar:

NM_001852.4(COL9A2):c.1753G>A (p.Val585Met)

Gene: COL9A2 (collagen type IX alpha 2 chain; minus strand). Cytogenetic location: 1p34.2.
Variant type: single nucleotide variant.
Coding change: c.1753G>A on transcript NM_001852.4 (MANE Select); coding-DNA position 1753, G replaced by A.
Protein change: p.Val585Met; replaces valine 585 with methionine.
Molecular consequence: missense variant.
Genome position (GRCh38, 1-based): chr1:40,302,660, C>T on the plus strand (G>A on the coding strand, the complement: COL9A2 is on the minus strand). VCF-style: chr1-40302660-C-T. GRCh37 (hg19) VCF-style: chr1-40768332-C-T.
Other names: short protein forms V585M.
Identifiers: ClinVar variation 1217758 (VCV001217758.13), dbSNP rs202153520, ClinGen allele CA791347.

ClinVar aggregate classification (germline): Conflicting classifications of pathogenicity. Review status: criteria provided, conflicting classifications (1 of 4 stars). 6 submissions from 6 submitters: Uncertain significance (3); Likely benign (2). 1 of the submissions does not count toward it. Last evaluated 2025-01-23.

Conditions:
COL9A2-related disorder. Also called: COL9A2-related condition.
Stickler syndrome, type 5 (STL5). Also called: COL9A2-Related Stickler Syndrome. Identifiers: Orphanet 250984, Orphanet 828, MedGen C3280342, MONDO:0013666, OMIM 614284.

Allele frequency attached by ClinVar (database versions not stated): 1000 Genomes Project 30x 0.00016; 1000 Genomes Project 0.00020.
gnomAD v4.1: 102 of 1,604,042 alleles (0.0064%); highest among the groups gnomAD compares: Admixed American, 0.032%; 2 homozygotes.

Submissions (6):

Labcorp Genetics (formerly Invitae), Labcorp
Classification: Uncertain significance. Last evaluated: 2025-01-23. Review status: criteria provided, single submitter. Criteria: Invitae Variant Classification Sherloc (09022015). Collection method: clinical testing. Allele origin: germline.
Comment: This sequence change replaces valine, which is neutral and non-polar, with methionine, which is neutral and non-polar, at codon 585 of the COL9A2 protein (p.Val585Met). This variant is present in population databases (rs202153520, gnomAD 0.06%). This variant has not been reported in the literature in individuals affected with COL9A2-related conditions. ClinVar contains an entry for this variant (Variation ID: 1217758). Invitae Evidence Modeling of protein sequence and biophysical properties (such as structural, functional, and spatial information, amino acid conservation, physicochemical variation, residue mobility, and thermodynamic stability) indicates that this missense variant is not expected to disrupt COL9A2 protein function with a negative predictive value of 95%. In summary, the available evidence is currently insufficient to determine the role of this variant in disease. Therefore, it has been classified as a Variant of Uncertain Significance.

Blueprint Genetics
Classification: Likely benign. Last evaluated: 2024-11-19. Review status: criteria provided, single submitter. Criteria: ACMG Guidelines, 2015. Collection method: clinical testing. Allele origin: germline.

Women's Health and Genetics/Laboratory Corporation of America, LabCorp
Classification: Uncertain significance. Last evaluated: 2023-12-22. Review status: criteria provided, single submitter. Criteria: LabCorp Variant Classification Summary - May 2015. Collection method: clinical testing. Allele origin: germline.
Comment: Variant summary: COL9A2 c.1753G>A (p.Val585Met) results in a conservative amino acid change located in the Collagen triple helix repeat (IPR008160) of the encoded protein sequence. Three of five in-silico tools predict a benign effect of the variant on protein function. The variant allele was found at a frequency of 7.8e-05 in 230688 control chromosomes. To our knowledge, no occurrence of c.1753G>A in individuals affected with Epiphyseal dysplasia, multiple, 2 and no experimental evidence demonstrating its impact on protein function have been reported. Three submitters have cited clinical-significance assessments for this variant to ClinVar after 2014 (VUS, n=2; Likely benign, n=1). Based on the evidence outlined above, the variant was classified as uncertain significance.

Victorian Clinical Genetics Services, Murdoch Childrens Research Institute
Classification: Uncertain significance for Stickler syndrome, type 5. Last evaluated: 2020-05-21. Review status: criteria provided, single submitter. Criteria: ACMG Guidelines, 2015. Collection method: clinical testing. Allele origin: germline. Inheritance: Autosomal recessive inheritance. Affected: yes.
Comment: A heterozygous missense variant was identified, NM_001852.3(COL9A2):c.1753G>A in exon 30 of 32 of the COL9A2 gene. This substitution is predicted to create a minor amino acid change from valine to methionine at position 585 of the protein, NP_001843.1(COL9A2):p.(Val585Met). The valine at this position has low conservation (100 vertebrates, UCSC), but is located within the collagen triple helix repeat region. In silico software predictions of the pathogenicity of this variant are conflicting (Polyphen, SIFT, CADD, Mutation Taster). The variant is present in the gnomAD population database at a frequency of 0.0076% (20 heterozygotes, 0 homozygotes), but is enriched within the East Asian subpopulation (0.064%). An alternative residue change at the same location has been reported in the gnomAD database at a frequency of 0.39%, in the Jewish subpopulation. The variant has not been previously reported in a clinical testing setting. A different variant in the same codon resulting in a change to leucine has been reported as a VUS (LOVD). Based on information available at the time of curation, this variant has been classified as a VARIANT of UNCERTAIN SIGNIFICANCE (VUS) with LOW CLINICAL RELEVANCE. Legend: (P) - Pathogenic, (N) - Neutral, (B) - Benign

GeneDx
Classification: Likely benign. Last evaluated: 2020-03-16. Review status: criteria provided, single submitter. Criteria: GeneDx Variant Classification Process June 2021. Collection method: clinical testing. Allele origin: germline. Affected: yes.
Comment: Has not been previously published as pathogenic or benign to our knowledge; In silico analysis supports that this missense variant does not alter protein structure/function

PreventionGenetics, part of Exact Sciences
Classification: Uncertain significance for COL9A2-related condition. Last evaluated: 2024-03-27. Review status: no assertion criteria provided. Collection method: clinical testing. Allele origin: germline. Not counted in ClinVar's aggregate classification.
Comment: The COL9A2 c.1753G>A variant is predicted to result in the amino acid substitution p.Val585Met. To our knowledge, this variant has not been reported in the literature. This variant is reported in 0.064% of alleles in individuals of East Asian descent in gnomAD. Although we suspect that this variant may be benign, at this time, the clinical significance of this variant is uncertain due to the absence of conclusive functional and genetic evidence.